The following is an entry in ClinVar:

NM_001868.4(CPA1):c.322C>G (p.Arg108Gly)

Gene: CPA1 (carboxypeptidase A1; plus strand). Cytogenetic location: 7q32.2.
Variant type: single nucleotide variant.
Coding change: c.322C>G on transcript NM_001868.4 (MANE Select); coding-DNA position 322, C replaced by G.
Protein change: p.Arg108Gly; replaces arginine 108 with glycine.
Molecular consequence: missense variant.
Genome position (GRCh38, 1-based): chr7:130,381,804, C>G. VCF-style: chr7-130381804-C-G. GRCh37 (hg19) VCF-style: chr7-130021645-C-G.
Other names: short protein forms R108G.
Identifiers: ClinVar variation 848928 (VCV000848928.9), dbSNP rs141886698, ClinGen allele CA4484755.

ClinVar aggregate classification (germline): Uncertain significance (1 of 4 stars; one submission).

gnomAD v4.1: 2 of 1,614,086 alleles (0.00012%); highest among the groups gnomAD compares: Admixed American, 0.0033%; no homozygotes.

Submission:

Labcorp Genetics (formerly Invitae), Labcorp
Classification: Uncertain significance. Last evaluated: 2022-03-16. Review status: criteria provided, single submitter. Criteria: Invitae Variant Classification Sherloc (09022015). Collection method: clinical testing. Allele origin: germline.
Comment: This sequence change replaces arginine, which is basic and polar, with glycine, which is neutral and non-polar, at codon 108 of the CPA1 protein (p.Arg108Gly). In summary, the available evidence is currently insufficient to determine the role of this variant in disease. Therefore, it has been classified as a Variant of Uncertain Significance. Algorithms developed to predict the effect of missense changes on protein structure and function (SIFT, PolyPhen-2, Align-GVGD) all suggest that this variant is likely to be tolerated. ClinVar contains an entry for this variant (Variation ID: 848928). This variant has not been reported in the literature in individuals affected with CPA1-related conditions. This variant is present in population databases (rs141886698, gnomAD 0.006%).